The following is an entry in ClinVar:

NM_003849.4(SUCLG1):c.242A>C (p.Lys81Thr)

Gene: SUCLG1 (succinate-CoA ligase GDP/ADP-forming subunit alpha; minus strand). Cytogenetic location: 2p11.2.
Variant type: single nucleotide variant.
Coding change: c.242A>C on transcript NM_003849.4 (MANE Select); coding-DNA position 242, A replaced by C.
Protein change: p.Lys81Thr; replaces lysine 81 with threonine.
Molecular consequence: missense variant.
Genome position (GRCh38, 1-based): chr2:84,443,360, T>G on the plus strand (A>C on the coding strand, the complement: SUCLG1 is on the minus strand). VCF-style: chr2-84443360-T-G. GRCh37 (hg19) VCF-style: chr2-84670484-T-G.
Other names: short protein forms K81T.
Identifiers: ClinVar variation 973454 (VCV000973454.8), dbSNP rs564792232, ClinGen allele CA1736370.

ClinVar aggregate classification (germline): Uncertain significance. Review status: criteria provided, multiple submitters, no conflicts (2 of 4 stars). 3 submissions from 3 submitters: Uncertain significance (2). 1 of the submissions does not count toward it. Last evaluated 2024-02-17.

Conditions:
Mitochondrial DNA depletion syndrome 9 (MTDPS9). Also called: SUCLG1-Related Mitochondrial DNA Depletion Syndrome, Encephalomyopathic Form with Methylmalonic Aciduria. Identifiers: Orphanet 17, MedGen C3151476, MONDO:0009504, OMIM 245400.

Allele frequency attached by ClinVar (database versions not stated): TOPMed 0.00002; 1000 Genomes Project 30x 0.00016; 1000 Genomes Project 0.00020.
gnomAD v4.1: 8 of 1,614,180 alleles (0.0005%); highest among the groups gnomAD compares: East Asian, 0.018%; no homozygotes.

Submissions (3):

Labcorp Genetics (formerly Invitae), Labcorp
Classification: Uncertain significance for Mitochondrial DNA depletion syndrome 9. Last evaluated: 2024-02-17. Review status: criteria provided, single submitter. Criteria: Invitae Variant Classification Sherloc (09022015). Collection method: clinical testing. Allele origin: germline.
Comment: This sequence change replaces lysine, which is basic and polar, with threonine, which is neutral and polar, at codon 81 of the SUCLG1 protein (p.Lys81Thr). This variant is present in population databases (rs564792232, gnomAD 0.04%). This variant has not been reported in the literature in individuals affected with SUCLG1-related conditions. ClinVar contains an entry for this variant (Variation ID: 973454). Advanced modeling of protein sequence and biophysical properties (such as structural, functional, and spatial information, amino acid conservation, physicochemical variation, residue mobility, and thermodynamic stability) has been performed at Invitae for this missense variant, however the output from this modeling did not meet the statistical confidence thresholds required to predict the impact of this variant on SUCLG1 protein function. In summary, the available evidence is currently insufficient to determine the role of this variant in disease. Therefore, it has been classified as a Variant of Uncertain Significance.

Blueprint Genetics
Classification: Uncertain significance. Last evaluated: 2019-03-05. Review status: criteria provided, single submitter. Criteria: ACMG Guidelines, 2015. Collection method: clinical testing. Allele origin: germline.

Elsea Laboratory, Baylor College of Medicine
Classification: Likely benign for Mitochondrial DNA depletion syndrome 9. Last evaluated: 2020-04-01. Review status: no assertion criteria provided. Collection method: clinical testing. Allele origin: germline. Affected: no. Not counted in ClinVar's aggregate classification.